The following is an entry in ClinVar:

ClinVar aggregate classification (germline): Uncertain significance (1 of 4 stars; one submission).

Conditions:
Familial hypercholesterolemia. Also called: Familial hypercholesterolemias; Familial hypercholesterolaemia. Identifiers: MedGen C0020445, MONDO:0005439.

gnomAD v4.1: 11 of 1,613,538 alleles (0.00068%); highest among the groups gnomAD compares: Non-Finnish European, 0.00093%; no homozygotes.

Submission:

Cambridge Genomics Laboratory, East Genomic Laboratory Hub, NHS Genomic Medicine Service
Classification: Uncertain significance for Familial hypercholesterolaemia. Last evaluated: 2026-05-15. Review status: criteria provided, single submitter. Criteria: ACGS Best Practice Guidelines for Variant Classification in Rare Disease 2020. Collection method: clinical testing. Allele origin: germline. Affected: yes.
Comment: PM2,PP4,BP4

NM_015627.3(LDLRAP1):c.854A>G (p.Gln285Arg)

Gene: LDLRAP1 (low density lipoprotein receptor adaptor protein 1; plus strand). Cytogenetic location: 1p36.11.
Variant type: single nucleotide variant.
Coding change: c.854A>G on transcript NM_015627.3 (MANE Select); coding-DNA position 854, A replaced by G.
Protein change: p.Gln285Arg; replaces glutamine 285 with arginine.
Molecular consequence: missense variant.
Genome position (GRCh38, 1-based): chr1:25,566,919, A>G. VCF-style: chr1-25566919-A-G. GRCh37 (hg19) VCF-style: chr1-25893410-A-G.
Other names: short protein forms Q285R.
Identifiers: ClinVar variation 4852796 (VCV004852796.1).